The following is an entry in ClinVar:

NM_002485.5(NBN):c.948C>G (p.Phe316Leu)

Gene: NBN (nibrin; minus strand). Cytogenetic location: 8q21.3.
Variant type: single nucleotide variant.
Coding change: c.948C>G on transcript NM_002485.5 (MANE Select); coding-DNA position 948, C replaced by G.
Protein change: p.Phe316Leu; replaces phenylalanine 316 with leucine.
Molecular consequence: missense variant.
Genome position (GRCh38, 1-based): chr8:89,964,456, G>C on the plus strand (C>G on the coding strand, the complement: NBN is on the minus strand). VCF-style: chr8-89964456-G-C. GRCh37 (hg19) VCF-style: chr8-90976684-G-C.
Other names: c.702C>G, p.Phe234Leu (NM_001024688.3); short protein forms F234L, F316L.
Identifiers: ClinVar variation 1767111 (VCV001767111.2), dbSNP rs1429467104, ClinGen allele CA371656985.
Genomic context (GRCh38, chr8:89,964,456, plus strand): 5'-AATGCTTCAATTACCTGTACTGGGATGGCCCTGAGGATCACAGTAATTCTTTGTAGTCAT[G>C]AAAATCACCGCCAATCCAATTTCTGCTTCAGGAATAGGTCTAAGACCTTGCCTATTAGAA-3'
Protein context (NP_002476.2, residues 306-326): PEAEIGLAVI[Phe316Leu]MTTKNYCDPQ

ClinVar aggregate classification (germline): Uncertain significance (1 of 4 stars; one submission).

Conditions:
Hereditary cancer-predisposing syndrome. Also called: Hereditary Cancer Syndrome; Hereditary neoplastic syndrome; Neoplastic Syndromes, Hereditary; Tumor predisposition. Identifiers: Orphanet 140162, MedGen C0027672, MeSH D009386, MONDO:0015356.

Allele frequency attached by ClinVar (database versions not stated): gnomAD exomes below 0.00001.
gnomAD v4.1: 2 of 1,613,334 alleles (0.00012%); highest among the groups gnomAD compares: East Asian, 0.0022%; no homozygotes.

Submission:

Ambry Genetics
Classification: Uncertain significance for Hereditary cancer-predisposing syndrome. Last evaluated: 2021-07-29. Review status: criteria provided, single submitter. Criteria: Ambry Variant Classification Scheme 2023. Collection method: clinical testing. Allele origin: germline.
Comment: The p.F316L variant (also known as c.948C>G), located in coding exon 8 of the NBN gene, results from a C to G substitution at nucleotide position 948. The phenylalanine at codon 316 is replaced by leucine, an amino acid with highly similar properties. This amino acid position is conserved. In addition, the in silico prediction for this alteration is inconclusive. Since supporting evidence is limited at this time, the clinical significance of this alteration remains unclear.